The following is an entry in ClinVar:

NM_004521.3(KIF5B):c.2032+20A>G

Gene: KIF5B (kinesin family member 5B; minus strand). Cytogenetic location: 10p11.22.
Variant type: single nucleotide variant.
Coding change: c.2032+20A>G on transcript NM_004521.3 (MANE Select); 20 bases into the intron after coding-DNA position 2032, A replaced by G.
Molecular consequence: intron variant.
Genome position (GRCh38, 1-based): chr10:32,022,120, T>C on the plus strand (A>G on the coding strand, the complement: KIF5B is on the minus strand). VCF-style: chr10-32022120-T-C. GRCh37 (hg19) VCF-style: chr10-32311048-T-C.
Other names: NC_000010.10:g.32311048T>C.
Identifiers: ClinVar variation 4362691 (VCV004362691.2).
Genomic context (GRCh38, chr10:32,022,120, plus strand): 5'-TTCAGTGTGAATATTAAGTTTACTACAATTATACTAAAATAAGAACACAGATGTAACTCA[T>C]AAACAGTTGGAAGCTATACCTTGTGCTCGAAGCTGGACTAGTTCTTCACTGAGGGCATCG-3'

ClinVar aggregate classification (germline): Benign (1 of 4 stars; one submission).

gnomAD v4.1: 585 of 1,213,960 alleles (0.048%); highest among the groups gnomAD compares: African/African-American, 0.82%; no homozygotes.

Submissions (3):

Women's Health and Genetics/Laboratory Corporation of America, LabCorp
Classification: Benign. Last evaluated: 2026-06-03. Review status: criteria provided, single submitter. Criteria: LabCorp Variant Classification Summary - May 2015. Collection method: clinical testing. Allele origin: germline.
Comment: Variant summary: KIF5B c.2032+20A>G alters a nucleotide located at a position not widely known to affect splicing. Consensus agreement among computation tools predict no significant impact on normal splicing. However, these predictions have yet to be confirmed by functional studies. The variant allele was found at a frequency of 0.00065 in 219656 control chromosomes, predominantly at a frequency of 0.0086 within the African or African-American subpopulation in the gnomAD database. The observed variant frequency within African or African-American control individuals in the gnomAD database exceeds the estimated maximal expected allele frequency for disease-causing variants in KIF5B. To our knowledge, no occurrence of c.2032+20A>G in individuals affected with KIF5B-related conditions and no experimental evidence demonstrating its impact on protein function have been reported. No submitters have cited clinical-significance assessments for this variant to ClinVar. Based on the evidence outlined above, the variant was classified as benign.

Dr. Peter K. Rogan Lab, Western University
No classification provided (evidence only). Condition: Uterine corpus endometrial carcinoma. Review status: no classification provided. Collection method: in vitro. Allele origin: not applicable. Functional consequence: retained intron. Not counted in ClinVar's aggregate classification.

Dr. Peter K. Rogan Lab, Western University
No classification provided (evidence only). Condition: Malignant tumor of esophagus. Review status: no classification provided. Collection method: in vitro. Allele origin: not applicable. Functional consequence: retained intron. Not counted in ClinVar's aggregate classification.